The following is an entry in ClinVar:

NM_021830.5(TWNK):c.1540ATC[1] (p.Ile515del)

Gene: TWNK (twinkle mtDNA helicase; plus strand). Cytogenetic location: 10q24.31.
Variant type: Microsatellite.
Coding change: c.1540ATC[1] on transcript NM_021830.5 (MANE Select); one copy of the 3-base unit ATC starting at c.1540; the reference has two copies in a row; one copy, 3 bases deleted.
Protein change: p.Ile515del; deletes isoleucine 515.
Molecular consequence: non-coding transcript variant (on NR_160738.1).
Genome position (GRCh38, 1-based): chr10:100,990,494-100,990,496, ATC deleted; deleting any 3 consecutive bases within chr10:100,990,491-100,990,496 gives the same sequence; the position shown is the placement nearest the transcript's 3' end. VCF-style (leftmost placement, unchanged base first): chr10-100990490-GATC-G. GRCh37 (hg19) VCF-style: chr10-102750247-GATC-G.
Other names: c.1540ATC[1], p.Ile515del (NM_001163812.2); c.178ATC[1], p.Ile61del (NM_001163813.2, NM_001163814.2, NM_001368275.1); short protein forms I515del, I61del.
Identifiers: ClinVar variation 4085536 (VCV004085536.8).

ClinVar aggregate classification (germline): Uncertain significance (1 of 4 stars; one submission).

Submission:

CeGaT Center for Human Genetics Tuebingen
Classification: Uncertain significance. Last evaluated: 2025-07-01. Review status: criteria provided, single submitter. Criteria: CeGaT Center For Human Genetics Tuebingen Variant Classification Criteria Version 2. Collection method: clinical testing. Allele origin: germline. Affected: yes. Observed: 1 variant allele.
Comment: TWNK: PM2, PM4:Supporting